The following is an entry in ClinVar:

NM_005334.3(HCFC1):c.3018T>C (p.Pro1006=)

Gene: HCFC1 (host cell factor C1; minus strand). Cytogenetic location: Xq28.
Variant type: single nucleotide variant.
Coding change: c.3018T>C on transcript NM_005334.3 (MANE Select); coding-DNA position 3018, T replaced by C.
Protein change: p.Pro1006=; no amino-acid change (proline 1006 retained).
Molecular consequence: synonymous variant.
Genome position (GRCh38, 1-based): chrX:153,955,381, A>G on the plus strand (T>C on the coding strand, the complement: HCFC1 is on the minus strand). VCF-style: chrX-153955381-A-G. GRCh37 (hg19) VCF-style: chrX-153220832-A-G.
Identifiers: ClinVar variation 390086 (VCV000390086.4), dbSNP rs782300483, ClinGen allele CA10557245.

ClinVar aggregate classification (germline): Benign/Likely benign. Review status: criteria provided, multiple submitters, no conflicts (2 of 4 stars). 2 submissions from 2 submitters: Benign (1); Likely benign (1). Last evaluated 2024-03-04.

Conditions:
Methylmalonic acidemia with homocystinuria, type cblX (MAHCX). Also called: INTELLECTUAL DEVELOPMENTAL DISORDER, X-LINKED 3. Identifiers: Orphanet 369962, MedGen C0796208, MONDO:0010657, OMIM 309541.

Allele frequency attached by ClinVar (database versions not stated): gnomAD below 0.00001 and 0.00003; TOPMed 0.00001; gnomAD exomes 0.00005 and 0.00008; ExAC 0.00011.
gnomAD v4.1: 60 of 1,209,927 alleles (0.005%); highest among the groups gnomAD compares: South Asian, 0.09%; no homozygotes.

Submissions (2):

Labcorp Genetics (formerly Invitae), Labcorp
Classification: Benign for Methylmalonic acidemia with homocystinuria, type cblX. Last evaluated: 2024-03-04. Review status: criteria provided, single submitter. Criteria: Invitae Variant Classification Sherloc (09022015). Collection method: clinical testing. Allele origin: germline.

GeneDx
Classification: Likely benign. Last evaluated: 2016-11-28. Review status: criteria provided, single submitter. Criteria: GeneDx Variant Classification (06012015). Collection method: clinical testing. Allele origin: germline. Affected: yes.
Comment: This variant is considered likely benign or benign based on one or more of the following criteria: it is a conservative change, it occurs at a poorly conserved position in the protein, it is predicted to be benign by multiple in silico algorithms, and/or has population frequency not consistent with disease.